The following is an entry in ClinVar:

ClinVar aggregate classification (germline): Likely benign (0 of 4 stars; one submission).

Conditions:
MN1-related disorder. Also called: MN1-related condition.

Submission:

PreventionGenetics, part of Exact Sciences
Classification: Likely benign for MN1-related condition. Last evaluated: 2020-04-17. Review status: no assertion criteria provided. Collection method: clinical testing. Allele origin: germline.
Comment: This variant is classified as likely benign based on ACMG/AMP sequence variant interpretation guidelines (Richards et al. 2015 PMID: 25741868, with internal and published modifications).

NM_002430.3(MN1):c.1071_1085del (p.Gln358_Pro362del)

Gene: MN1 (MN1 proto-oncogene, transcriptional regulator; minus strand). Cytogenetic location: 22q12.1.
Variant type: Deletion.
Coding change: c.1071_1085del on transcript NM_002430.3 (MANE Select); coding-DNA positions 1071 to 1085, 15 bases deleted (ACAGCAGCAGCCGCC).
Protein change: p.Gln358_Pro362del.
Genome position (GRCh38, 1-based): chr22:27,799,459-27,799,473, GGCGGCTGCTGCTGT deleted on the plus strand (ACAGCAGCAGCCGCC on the coding strand, the reverse complement: MN1 is on the minus strand); deleting any 15 consecutive bases within chr22:27,799,459-27,799,485 gives the same sequence; the c. name uses the placement nearest the transcript's 3' end. VCF-style (leftmost placement, unchanged base first): chr22-27799458-CGGCGGCTGCTGCTGT-C. GRCh37 (hg19) VCF-style: chr22-28195446-CGGCGGCTGCTGCTGT-C.
Identifiers: ClinVar variation 3053939 (VCV003053939.2), dbSNP rs757859451, ClinGen allele CA2577674700.
Genomic context (GRCh38, chr22:27,799,458, plus strand): 5'-CTGGGGCCGAGGGAGCGCAGGCGGGCACGAATTTTGTCGGACTAGAAGCCCGGGTGGCGG[CGGCGGCTGCTGCTGT>C]GGCGGCTGCTGCGGGGGCTGCTGCTGAGGGGGTGGCGGGGCCTGCTGGGGAGGCTGCATT-3'